The following is an entry in ClinVar:

ClinVar aggregate classification (germline): Uncertain significance (1 of 4 stars; one submission).

Conditions:
Neuropathy, hereditary motor and sensory, type 6B (HMSN6B). Also called: Neuropathy, hereditary motor and sensory, type VIB; NEUROPATHY, HEREDITARY MOTOR AND SENSORY, TYPE VIB, WITH OPTIC ATROPHY; HMSN VIB; CHARCOT-MARIE-TOOTH DISEASE, TYPE 6B. Identifiers: MedGen C4225302, MONDO:0014671, OMIM 616505.

Allele frequency attached by ClinVar (database versions not stated): gnomAD 0.00001; gnomAD exomes 0.00003; TOPMed 0.00004; ExAC 0.00006; ESP Exome Variant Server 0.00016.
gnomAD v4.1: 15 of 1,549,964 alleles (0.00097%); highest among the groups gnomAD compares: Admixed American, 0.012%; no homozygotes.

Submission:

Labcorp Genetics (formerly Invitae), Labcorp
Classification: Uncertain significance for Neuropathy, hereditary motor and sensory, type 6B. Last evaluated: 2022-10-25. Review status: criteria provided, single submitter. Criteria: Invitae Variant Classification Sherloc (09022015). Collection method: clinical testing. Allele origin: germline.
Comment: This sequence change replaces arginine, which is basic and polar, with tryptophan, which is neutral and slightly polar, at codon 15 of the SLC25A46 protein (p.Arg15Trp). This variant is present in population databases (rs369936836, gnomAD 0.006%). This variant has not been reported in the literature in individuals affected with SLC25A46-related conditions. ClinVar contains an entry for this variant (Variation ID: 1397718). Algorithms developed to predict the effect of missense changes on protein structure and function are either unavailable or do not agree on the potential impact of this missense change (SIFT: "Deleterious"; PolyPhen-2: "Possibly Damaging"; Align-GVGD: "Class C0"). In summary, the available evidence is currently insufficient to determine the role of this variant in disease. Therefore, it has been classified as a Variant of Uncertain Significance.

NM_138773.4(SLC25A46):c.43C>T (p.Arg15Trp)

Gene: SLC25A46 (solute carrier family 25 member 46; plus strand). Cytogenetic location: 5q22.1.
Variant type: single nucleotide variant.
Coding change: c.43C>T on transcript NM_138773.4 (MANE Select); coding-DNA position 43, C replaced by T.
Protein change: p.Arg15Trp; replaces arginine 15 with tryptophan.
Molecular consequence: missense variant. On other transcripts: non-coding transcript variant (1), intron variant (1).
Genome position (GRCh38, 1-based): chr5:110,739,162, C>T. VCF-style: chr5-110739162-C-T. GRCh37 (hg19) VCF-style: chr5-110074863-C-T.
Other names: c.43C>T, p.Arg15Trp (NM_001303249.3); c.10+915C>T (NM_001303250.3); short protein forms R15W.
Identifiers: ClinVar variation 1397718 (VCV001397718.5), dbSNP rs369936836, ClinGen allele CA3364461.